The following is an entry in ClinVar:

ClinVar aggregate classification (germline): Likely benign (1 of 4 stars; one submission).

gnomAD v4.1: 15 of 1,612,904 alleles (0.00093%); highest among the groups gnomAD compares: African/African-American, 0.0067%; no homozygotes.

Submission:

CeGaT Center for Human Genetics Tuebingen
Classification: Likely benign. Last evaluated: 2026-06-01. Review status: criteria provided, single submitter. Criteria: CeGaT Center For Human Genetics Tuebingen Variant Classification Criteria Version 2. Collection method: clinical testing. Allele origin: germline. Affected: yes. Observed: 1 variant allele.
Comment: PLXNB2: BP4, BP7

NM_012401.4(PLXNB2):c.1362C>T (p.Tyr454=)

Gene: PLXNB2 (plexin B2; minus strand). Cytogenetic location: 22q13.33.
Variant type: single nucleotide variant.
Coding change: c.1362C>T on transcript NM_012401.4 (MANE Select); coding-DNA position 1362, C replaced by T.
Protein change: p.Tyr454=; no amino-acid change (tyrosine 454 retained).
Molecular consequence: synonymous variant.
Genome position (GRCh38, 1-based): chr22:50,288,761, G>A on the plus strand (C>T on the coding strand, the complement: PLXNB2 is on the minus strand). VCF-style: chr22-50288761-G-A. GRCh37 (hg19) VCF-style: chr22-50727190-G-A.
Other names: c.1362C>T, p.Tyr454= (NM_001376878.1, NM_001376879.1, NM_001376880.1 and 20 more transcripts).
Identifiers: ClinVar variation 4875451 (VCV004875451.2).
Genomic context (GRCh38, chr22:50,288,761, plus strand): 5'-ACACTTGGCCTAGAGTGCTCTCCGGGGCTGCGTCTGGCTCACCTTGTCCTGGGTCATGGC[G>A]TACAGGCTGCCCAGGTCTCCAGACAGTACCAGGTCGCGCTTGACTCTCTTGTTTATCTCC-3'
Protein context (NP_036533.2, residues 444-464): LVLSGDLGSL[Tyr454=]AMTQDKVFRL